The following is an entry in ClinVar:

NM_001011658.4(TRAPPC2):c.176T>C (p.Met59Thr)

Genes: OFD1 (OFD1 centriole and centriolar satellite protein; plus strand), TRAPPC2 (trafficking protein particle complex subunit 2; minus strand). Cytogenetic location: Xp22.2.
Variant type: single nucleotide variant.
Coding change: c.176T>C on transcript NM_001011658.4 (MANE Select); coding-DNA position 176, T replaced by C.
Protein change: p.Met59Thr; replaces methionine 59 with threonine.
Molecular consequence: missense variant.
Genome position (GRCh38, 1-based): chrX:13,716,596, A>G on the plus strand (T>C on the coding strand, the complement: TRAPPC2 is on the minus strand). VCF-style: chrX-13716596-A-G. GRCh37 (hg19) VCF-style: chrX-13734715-A-G.
Other names: c.278T>C, p.Met93Thr (NM_001128835.3); c.176T>C, p.Met59Thr (NM_014563.6); short protein forms M59T, M93T.
Identifiers: ClinVar variation 931726 (VCV000931726.3), dbSNP rs2046291142, ClinGen allele CA412326168.

ClinVar aggregate classification (germline): Uncertain significance (1 of 4 stars; one submission).

Conditions:
Spondyloepiphyseal dysplasia tarda (SEDT). Also called: SPONDYLOEPIPHYSEAL DYSPLASIA, LATE. Identifiers: Orphanet 93284, MedGen CN033239, MONDO:0019667.

Submission:

Centre for Mendelian Genomics, University Medical Centre Ljubljana
Classification: Uncertain significance for Spondyloepiphyseal dysplasia tarda, X-linked. Last evaluated: 2019-10-27. Review status: criteria provided, single submitter. Criteria: ACMG Guidelines, 2015. Collection method: clinical testing. Allele origin: unknown. Affected: yes.
Comment: This variant was classified as: Uncertain significance. The available evidence on this variant's pathogenicity is insufficient or conflicting. The following ACMG criteria were applied in classifying this variant: PM2. This variant was detected in hemizygous state.